The following is an entry in ClinVar:

ClinVar aggregate classification (germline): Uncertain significance (0 of 4 stars; one submission).

Conditions:
SETX-related disorder. Also called: SETX-related disorders; SETX-related condition. Identifiers: MedGen CN239403.

Submission:

PreventionGenetics, part of Exact Sciences
Classification: Uncertain significance for SETX-related condition. Last evaluated: 2024-02-29. Review status: no assertion criteria provided. Collection method: clinical testing. Allele origin: germline.
Comment: The SETX c.1762T>A variant is predicted to result in the amino acid substitution p.Leu588Ile. To our knowledge, this variant has not been reported in the literature or in a large population database, indicating this variant is rare. At this time, the clinical significance of this variant is uncertain due to the absence of conclusive functional and genetic evidence.

NM_015046.7(SETX):c.1762T>A (p.Leu588Ile)

Gene: SETX (senataxin; minus strand). Cytogenetic location: 9q34.13.
Variant type: single nucleotide variant.
Coding change: c.1762T>A on transcript NM_015046.7 (MANE Select); coding-DNA position 1762, T replaced by A.
Protein change: p.Leu588Ile; replaces leucine 588 with isoleucine.
Molecular consequence: missense variant.
Genome position (GRCh38, 1-based): chr9:132,329,836, A>T on the plus strand (T>A on the coding strand, the complement: SETX is on the minus strand). VCF-style: chr9-132329836-A-T. GRCh37 (hg19) VCF-style: chr9-135205223-A-T.
Other names: c.1762T>A, p.Leu588Ile (NM_001351527.2, NM_001351528.2); short protein forms L588I.
Identifiers: ClinVar variation 3061225 (VCV003061225.2), dbSNP rs746854110, ClinGen allele CA200813738.